The following is an entry in ClinVar:

NM_001715.3(BLK):c.81G>A (p.Lys27=)

Gene: BLK (BLK proto-oncogene, Src family tyrosine kinase). Cytogenetic location: 8p23.1.
Variant type: single nucleotide variant.
Coding change: c.81G>A on transcript NM_001715.3 (MANE Select); coding-DNA position 81, G replaced by A.
Protein change: p.Lys27=; no amino-acid change (lysine 27 retained).
Molecular consequence: synonymous variant. On other transcripts: intron variant (1).
Genome position (GRCh38, 1-based): chr8:11,543,305, G>A. VCF-style: chr8-11543305-G-A. GRCh37 (hg19) VCF-style: chr8-11400814-G-A.
Other names: c.-90-2747G>A (NM_001330465.2).
Identifiers: ClinVar variation 1219894 (VCV001219894.11), dbSNP rs149279535, ClinGen allele CA4629652.

ClinVar aggregate classification (germline): Conflicting classifications of pathogenicity. Review status: criteria provided, conflicting classifications (1 of 4 stars). 2 submissions from 2 submitters: Uncertain significance (1); Benign (1). Last evaluated 2026-01-11.

Allele frequency attached by ClinVar (database versions not stated): gnomAD exomes 0.00022 and 0.00054; ExAC 0.00068; gnomAD 0.00195 and 0.00205; TOPMed 0.00217; ESP Exome Variant Server 0.00238; 1000 Genomes Project 30x 0.00250; 1000 Genomes Project 0.00280.
gnomAD v4.1: 619 of 1,613,680 alleles (0.038%); highest among the groups gnomAD compares: African/African-American, 0.75%; 2 homozygotes.

Submissions (2):

Labcorp Genetics (formerly Invitae), Labcorp
Classification: Benign. Last evaluated: 2026-01-11. Review status: criteria provided, single submitter. Criteria: Invitae Variant Classification Sherloc (09022015). Collection method: clinical testing. Allele origin: germline.

GeneDx
Classification: Uncertain significance. Last evaluated: 2019-11-25. Review status: criteria provided, single submitter. Criteria: GeneDx Variant Classification Process June 2021. Collection method: clinical testing. Allele origin: germline. Affected: yes.
Comment: In silico analysis, which includes splice predictors and evolutionary conservation, supports that this variant does not alter protein structure/function; Has not been previously published as pathogenic or benign to our knowledge